The following is an entry in ClinVar:

NM_024675.4(PALB2):c.682del (p.Gln228fs)

Gene: PALB2 (partner and localizer of BRCA2; minus strand). Cytogenetic location: 16p12.2.
Variant type: Deletion.
Coding change: c.682del on transcript NM_024675.4 (MANE Select); coding-DNA position 682, one base deleted (C; older notation c.682delC).
Protein change: p.Gln228fs; shifts the reading frame from glutamine 228.
Molecular consequence: frameshift variant.
Genome position (GRCh38, 1-based): chr16:23,635,864, G deleted on the plus strand (C on the coding strand, the reverse complement: PALB2 is on the minus strand); the first of 3 consecutive G bases (chr16:23,635,864-23,635,866); deleting any one gives the same sequence. VCF-style (leftmost placement, unchanged base first): chr16-23635863-TG-T. GRCh37 (hg19) VCF-style: chr16-23647184-TG-T.
Other names: c.682delC (NM_024675.3); short protein forms Q228fs.
Identifiers: ClinVar variation 630558 (VCV000630558.12), dbSNP rs1567222523, ClinGen allele CA913188726.

ClinVar aggregate classification (germline): Pathogenic. Review status: criteria provided, multiple submitters, no conflicts (2 of 4 stars). 6 submissions from 6 submitters: Pathogenic (5). 1 of the submissions does not count toward it. Last evaluated 2026-03-13.

Conditions:
Hereditary cancer-predisposing syndrome. Also called: Tumor predisposition; Neoplastic Syndromes, Hereditary; Hereditary neoplastic syndrome; Hereditary Cancer Syndrome. Identifiers: Orphanet 140162, MedGen C0027672, MeSH D009386, MONDO:0015356.
Familial cancer of breast. Also called: hereditary breast carcinoma; Hereditary breast cancer; BREAST CANCER, FAMILIAL. Identifiers: Orphanet 227535, MedGen C0346153, MONDO:0016419, OMIM 114480. Disease mechanism: loss of function.
Inherited breast cancer and ovarian cancer.
PALB2-related disorder. Also called: PALB2-related disorders; PALB2-related condition.

Submissions (6):

Genetics Laboratory, Great Ormond Street Hospital NHS Foundation Trust, North Thames Genomic Laboratory Hub
Classification: Pathogenic for Inherited breast cancer and ovarian cancer. Last evaluated: 2026-03-13. Review status: criteria provided, single submitter. Criteria: CanVIG PALB2 Gene Specific V1.2. Collection method: clinical testing. Allele origin: germline. Affected: yes.
Comment: PM2_supporting, PVS1_very-strong, PM5_supporting

Labcorp Genetics (formerly Invitae), Labcorp
Classification: Pathogenic for Familial cancer of breast. Last evaluated: 2025-10-01. Review status: criteria provided, single submitter. Criteria: Invitae Variant Classification Sherloc (09022015). Collection method: clinical testing. Allele origin: germline.
Comment: This sequence change creates a premature translational stop signal (p.Gln228Asnfs*10) in the PALB2 gene. It is expected to result in an absent or disrupted protein product. Loss-of-function variants in PALB2 are known to be pathogenic (PMID: 17200668, 17200671, 17200672, 24136930, 25099575). This variant is not present in population databases (gnomAD no frequency). This variant has not been reported in the literature in individuals affected with PALB2-related conditions. ClinVar contains an entry for this variant (Variation ID: 630558). For these reasons, this variant has been classified as Pathogenic.

Myriad Genetics, Inc.
Classification: Pathogenic for Familial cancer of breast. Last evaluated: 2023-09-06. Review status: criteria provided, single submitter. Criteria: Myriad Autosomal Dominant, Autosomal Recessive and X-Linked Classification Criteria (2023). Collection method: clinical testing. Allele origin: unknown.
Comment: This variant is considered pathogenic. This variant creates a frameshift predicted to result in premature protein truncation.

Ambry Genetics
Classification: Pathogenic for Hereditary cancer-predisposing syndrome. Last evaluated: 2023-06-06. Review status: criteria provided, single submitter. Criteria: Ambry Variant Classification Scheme 2023. Collection method: clinical testing. Allele origin: germline.
Comment: The c.682delC pathogenic mutation, located in coding exon 4 of the PALB2 gene, results from a deletion of one nucleotide at nucleotide position 682, causing a translational frameshift with a predicted alternate stop codon (p.Q228Nfs*10). This variant is considered to be rare based on population cohorts in the Genome Aggregation Database (gnomAD). This alteration is expected to result in loss of function by premature protein truncation or nonsense-mediated mRNA decay. As such, this alteration is interpreted as a disease-causing mutation.

Color Diagnostics, LLC DBA Color Health
Classification: Pathogenic for Hereditary cancer-predisposing syndrome. Last evaluated: 2020-01-15. Review status: criteria provided, single submitter. Criteria: ACMG Guidelines, 2015. Collection method: clinical testing. Allele origin: germline.
Comment: This variant deletes 1 nucleotide in exon 4 of the PALB2 gene, creating a frameshift and premature translation stop signal. This variant is expected to result in an absent or non-functional protein product. This variant has not been identified in the general population by the Genome Aggregation Database (gnomAD). Loss of PALB2 function is a known mechanism of disease. Based on the available evidence, this variant is classified as Pathogenic.

PreventionGenetics, part of Exact Sciences
Classification: Likely pathogenic for PALB2-related condition. Last evaluated: 2024-07-12. Review status: no assertion criteria provided. Collection method: clinical testing. Allele origin: germline. Not counted in ClinVar's aggregate classification.
Comment: The PALB2 c.682delC variant is predicted to result in a frameshift and premature protein termination (p.Gln228Asnfs*10). To our knowledge, this variant has not been reported in the literature or in the gnomAD database, indicating this variant is rare. Frameshift variants in PALB2 are expected to be pathogenic. This variant is interpreted as likely pathogenic.

Literature cited by the submitters: PubMed 17200668 (cited by Labcorp Genetics (formerly Invitae), Labcorp); PubMed 17200671 (cited by Labcorp Genetics (formerly Invitae), Labcorp); PubMed 17200672 (cited by Labcorp Genetics (formerly Invitae), Labcorp); PubMed 24136930 (cited by Labcorp Genetics (formerly Invitae), Labcorp); PubMed 25099575 (cited by Labcorp Genetics (formerly Invitae), Labcorp).